The following is an entry in ClinVar:

NM_003128.3(SPTBN1):c.2755G>T (p.Gly919Cys)

Genes: SPTBN1 (spectrin beta, non-erythrocytic 1; plus strand), LOC129933746 (ATAC-STARR-seq lymphoblastoid active region 15766; plus strand). Cytogenetic location: 2p16.2.
Variant type: single nucleotide variant.
Coding change: c.2755G>T on transcript NM_003128.3 (MANE Select); coding-DNA position 2755, G replaced by T.
Protein change: p.Gly919Cys; replaces glycine 919 with cysteine.
Molecular consequence: missense variant.
Genome position (GRCh38, 1-based): chr2:54,629,977, G>T. VCF-style: chr2-54629977-G-T. GRCh37 (hg19) VCF-style: chr2-54857114-G-T.
Other names: c.2716G>T, p.Gly906Cys (NM_178313.3); short protein forms G919C, G906C.
Identifiers: ClinVar variation 2283617 (VCV002283617.3), dbSNP rs763382679, ClinGen allele CA346886086.

ClinVar aggregate classification (germline): Uncertain significance. Review status: criteria provided, multiple submitters, no conflicts (2 of 4 stars). 2 submissions from 2 submitters: Uncertain significance (2). Last evaluated 2026-04-01.

Conditions:
Inborn genetic diseases. Identifiers: MedGen C0950123, MeSH D030342.

gnomAD v4.1: 5 of 1,614,082 alleles (0.00031%); highest among the groups gnomAD compares: South Asian, 0.0033%; 1 homozygote.

Submissions (2):

GeneDx
Classification: Uncertain significance. Last evaluated: 2026-04-01. Review status: criteria provided, single submitter. Criteria: GeneDx Variant Classification Process June 2021. Collection method: clinical testing. Allele origin: germline.
Comment: Not observed at significant frequency in large population cohorts (gnomAD); In silico analysis supports that this missense variant has a deleterious effect on protein structure/function; Has not been previously published as pathogenic or benign to our knowledge

Ambry Genetics
Classification: Uncertain significance for Inborn genetic diseases. Last evaluated: 2022-04-13. Review status: criteria provided, single submitter. Criteria: Ambry Variant Classification Scheme 2023. Collection method: clinical testing. Allele origin: germline.